The following is an entry in ClinVar:

ClinVar aggregate classification (germline): Pathogenic/Likely pathogenic. Review status: criteria provided, multiple submitters, no conflicts (2 of 4 stars). 2 submissions from 2 submitters: Pathogenic (1); Likely pathogenic (1). Last evaluated 2024-08-20.

Conditions:
Pontocerebellar hypoplasia type 6 (PCH6). Identifiers: Orphanet 166073, MedGen C1969084, MONDO:0012683, OMIM 611523.

Submissions (2):

Natera, Inc.
Classification: Likely pathogenic for Pontocerebellar hypoplasia, type 6. Last evaluated: 2024-08-20. Review status: criteria provided, single submitter. Criteria: Natera Variant Classification Schema (03/2026). Collection method: clinical testing. Allele origin: germline.
Comment: The c.1650+1delG variant in RARS2 is a canonical splice donor site variant predicted to affect pre-mRNA splicing, which may result in an abnormal transcript and altered protein product. This variant is expected to result in nonsense mediated decay, truncation, or a dysfunctional protein product. This variant is rare in the general population with a frequency below the threshold expected for the associated phenotype(s). Given the available evidence, this variant is classified as Likely Pathogenic.

Labcorp Genetics (formerly Invitae), Labcorp
Classification: Pathogenic. Last evaluated: 2023-07-07. Review status: criteria provided, single submitter. Criteria: Invitae Variant Classification Sherloc (09022015). Collection method: clinical testing. Allele origin: germline.
Comment: Algorithms developed to predict the effect of sequence changes on RNA splicing suggest that this variant may disrupt the consensus splice site. This variant is also known as c.1650+1del. This variant has not been reported in the literature in individuals affected with RARS2-related conditions. The frequency data for this variant in the population databases is considered unreliable, as metrics indicate poor data quality at this position in the gnomAD database. This sequence change creates a premature translational stop signal (p.Ala551Profs*13) in the RARS2 gene. While this is not anticipated to result in nonsense mediated decay, it is expected to disrupt the last 28 amino acid(s) of the RARS2 protein. For these reasons, this variant has been classified as Pathogenic. This variant disrupts a region of the RARS2 protein in which other variant(s) (p.Arg560His) have been determined to be pathogenic (PMID: 31618753, 31665838, 35068129). This suggests that this is a clinically significant region of the protein, and that variants that disrupt it are likely to be disease-causing.

Literature cited by the submitters: PubMed 31618753 (cited by Labcorp Genetics (formerly Invitae), Labcorp); PubMed 31665838 (cited by Labcorp Genetics (formerly Invitae), Labcorp); PubMed 35068129 (cited by Labcorp Genetics (formerly Invitae), Labcorp).

NM_020320.5(RARS2):c.1650+1del

Gene: RARS2 (arginyl-tRNA synthetase 2, mitochondrial; minus strand). Cytogenetic location: 6q15.
Variant type: Deletion.
Coding change: c.1650+1del on transcript NM_020320.5 (MANE Select); the canonical splice donor site of the intron after coding-DNA position 1650, one base deleted (G; older notation c.1650+1delG).
Molecular consequence: splice donor variant.
Genome position (GRCh38, 1-based): chr6:87,514,956, C deleted on the plus strand (G on the coding strand, the reverse complement: RARS2 is on the minus strand); the first of 4 consecutive C bases (chr6:87,514,956-87,514,959); deleting any one gives the same sequence. VCF-style (leftmost placement, unchanged base first): chr6-87514955-AC-A. GRCh37 (hg19) VCF-style: chr6-88224673-AC-A.
Other names: c.1650+1del (NM_001350505.2); c.1125+1del (NM_001350507.2, NM_001350509.2, NM_001318785.2 and 4 more transcripts); c.1650+1delG (NM_020320.4).
Identifiers: ClinVar variation 2847348 (VCV002847348.4), dbSNP rs1230343126, ClinGen allele CA568697621.
Genomic context (GRCh38, chr6:87,514,955, plus strand): 5'-TGACTTAGTAATATTAGTCTCAGGAGCTAGGGATTATACAGAAAACATTCAACATAACGT[AC>A]CCCAGCCACTTCAGGAGGACTATCTTTTATTTGTAGTGTTTTGTGTGCCACAGCTGCAAG-3'